The following is an entry in ClinVar:

NM_000038.6(APC):c.4534_7406del (p.Leu1511_Asp1512insTer)

Gene: APC (APC regulator of Wnt signaling pathway; plus strand). Cytogenetic location: 5q22.2.
Variant type: Deletion.
Coding change: c.4534_7406del on transcript NM_000038.6 (MANE Select); coding-DNA positions 4534 to 7406, 2,873 bases deleted.
Protein change: p.Leu1511_Asp1512insTer.
Molecular consequence: nonsense. On other transcripts: non-coding transcript variant (2).
Genome position (GRCh38, 1-based): chr5:112,840,128-112,843,000, 2,873 bases deleted. GRCh37 (hg19): chr5:112,175,825-112,178,697.
Other names: c.3685_6557del, p.Leu1228_Asp1229insTer (NM_001354906.2, NM_001407470.1); c.4618_7490del, p.Leu1539_Asp1540insTer (NM_001407446.1); c.4534_7406del, p.Leu1511_Asp1512insTer (NM_001127510.3, NM_001354895.2, NM_001407450.1); c.4480_7352del, p.Leu1493_Asp1494insTer (NM_001127511.3); c.4588_7460del, p.Leu1529_Asp1530insTer (NM_001354896.2, NM_001407447.1, NM_001407448.1 and 1 more transcripts); c.4564_7436del, p.Leu1521_Asp1522insTer (NM_001354897.2); c.4459_7331del, p.Leu1486_Asp1487insTer (NM_001354898.2); c.4450_7322del, p.Leu1483_Asp1484insTer (NM_001354899.2); and 11 more.
Identifiers: ClinVar variation 2581174 (VCV002581174.1), ClinGen allele CA2582341313.

ClinVar aggregate classification (germline): Pathogenic (1 of 4 stars; one submission).

Conditions:
Familial multiple polyposis syndrome (FAP). Also called: Familial adenomatous polyposis; Familial intestinal polyposis; Familial Adenomatous Polyposis (FAP); Familial polyposis; Classic familial adenomatous polyposis. Identifiers: Orphanet 733, MedGen C0032580, MONDO:0021055. Disease mechanism: loss of function.

Submission:

Women's Health and Genetics/Laboratory Corporation of America, LabCorp
Classification: Pathogenic for Familial multiple polyposis syndrome. Last evaluated: 2023-08-17. Review status: criteria provided, single submitter. Criteria: LabCorp Variant Classification Summary - May 2015. Collection method: clinical testing. Allele origin: germline.
Comment: Variant summary: APC c.4534_7406del2873 (p.Asp1512X) results in a premature termination codon, predicted to cause a truncation of the encoded protein, which is a commonly known mechanism for disease. While this variant is not expected to result in nonsense-mediated decay, it is expected to disrupt the last 1332 amino acids of the protein, which include the basic domain (IPR009234) and EB-1 binding domain (IPR009232). Variants downstream of this position have been classified as pathogenic by our laboratory. The variant was absent in 250378 control chromosomes (gnomAD). To our knowledge, no occurrence of c.4534_7406del2873 in individuals affected with Familial Adenomatous Polyposis and no experimental evidence demonstrating its impact on protein function have been reported. No submitters have cited clinical-significance assessments for this variant to ClinVar after 2014. Based on the evidence outlined above, the variant was classified as pathogenic.